The following is an entry in ClinVar:

ClinVar aggregate classification (germline): Uncertain significance (1 of 4 stars; one submission).

Conditions:
Amyotrophic lateral sclerosis type 1 (ALS1). Also called: AMYOTROPHIC LATERAL SCLEROSIS 1, FAMILIAL. Identifiers: Orphanet 803, MedGen C1862939, MONDO:0007103, OMIM 105400.
Perry syndrome. Also called: PARKINSONISM WITH ALVEOLAR HYPOVENTILATION AND MENTAL DEPRESSION. Identifiers: Orphanet 178509, MedGen C1868594, MONDO:0008201, OMIM 168605.
Neuronopathy, distal hereditary motor, type 7B. Also called: Distal Hereditary Motor Neuronopathy Type 7B (dHMN7B); NEURONOPATHY, DISTAL HEREDITARY MOTOR, AUTOSOMAL DOMINANT 14; NEURONOPATHY, DISTAL HEREDITARY MOTOR, HARDING TYPE VIIB; NEUROPATHY, DISTAL HEREDITARY MOTOR, HARDING TYPE VIIB; NEUROPATHY, DISTAL HEREDITARY MOTOR, WITH VOCAL CORD PARALYSIS, HARDING TYPE VIIB; HMN VIIB. Identifiers: Orphanet 139589, MedGen C1843315, MONDO:0011879, OMIM 607641.

Allele frequency attached by ClinVar (database versions not stated): gnomAD exomes below 0.00001; TOPMed below 0.00001; ExAC 0.00001; gnomAD 0.00001.
gnomAD v4.1: 4 of 1,614,086 alleles (0.00025%); highest among the groups gnomAD compares: Non-Finnish European, 0.00034%; no homozygotes.

Submission:

Labcorp Genetics (formerly Invitae), Labcorp
Classification: Uncertain significance for Amyotrophic lateral sclerosis type 1; Neuronopathy, distal hereditary motor, type 7B; Perry syndrome. Last evaluated: 2022-10-30. Review status: criteria provided, single submitter. Criteria: Invitae Variant Classification Sherloc (09022015). Collection method: clinical testing. Allele origin: germline.
Comment: This sequence change replaces leucine, which is neutral and non-polar, with proline, which is neutral and non-polar, at codon 862 of the DCTN1 protein (p.Leu862Pro). In summary, the available evidence is currently insufficient to determine the role of this variant in disease. Therefore, it has been classified as a Variant of Uncertain Significance. This variant is present in population databases (rs777542005, gnomAD 0.0009%). This variant has not been reported in the literature in individuals affected with DCTN1-related conditions. ClinVar contains an entry for this variant (Variation ID: 1377495). Advanced modeling of protein sequence and biophysical properties (such as structural, functional, and spatial information, amino acid conservation, physicochemical variation, residue mobility, and thermodynamic stability) performed at Invitae indicates that this missense variant is not expected to disrupt DCTN1 protein function.

NM_004082.5(DCTN1):c.2585T>C (p.Leu862Pro)

Gene: DCTN1 (dynactin subunit 1; minus strand). Cytogenetic location: 2p13.1.
Variant type: single nucleotide variant.
Coding change: c.2585T>C on transcript NM_004082.5 (MANE Select); coding-DNA position 2585, T replaced by C.
Protein change: p.Leu862Pro; replaces leucine 862 with proline.
Molecular consequence: missense variant. On other transcripts: non-coding transcript variant (1).
Genome position (GRCh38, 1-based): chr2:74,366,502, A>G on the plus strand (T>C on the coding strand, the complement: DCTN1 is on the minus strand). VCF-style: chr2-74366502-A-G. GRCh37 (hg19) VCF-style: chr2-74593629-A-G.
Other names: c.2525T>C, p.Leu842Pro (NM_001135040.3); c.2183T>C, p.Leu728Pro (NM_001135041.3, NM_023019.4); c.2474T>C, p.Leu825Pro (NM_001190836.2); c.2564T>C, p.Leu855Pro (NM_001190837.2); c.2534T>C, p.Leu845Pro (NM_001378991.1); c.2516T>C, p.Leu839Pro (NM_001378992.1); short protein forms L728P, L855P, L862P, L825P, L839P, L842P, L845P.
Identifiers: ClinVar variation 1377495 (VCV001377495.6), dbSNP rs777542005, ClinGen allele CA1721806.
Genomic context (GRCh38, chr2:74,366,502, plus strand): 5'-CAGCCATCCAGGCCCACCTGCTCGCTTGCTTTGAAAGCCAGTTCCTCCAGAGCAGCCACA[A>G]GTAGCCCCTCATTCTCTGCCAGTGGGGCAATGAGCTGGGCAGCAGCAGCTGCCACCTCCT-3'
Protein context (NP_004073.2, residues 852-872): IAPLAENEGL[Leu862Pro]VAALEELAFK